The following is an entry in ClinVar:

NM_003803.4(MYOM1):c.73A>C (p.Thr25Pro)

Gene: MYOM1 (myomesin 1; minus strand). Cytogenetic location: 18p11.31.
Variant type: single nucleotide variant.
Coding change: c.73A>C on transcript NM_003803.4 (MANE Select); coding-DNA position 73, A replaced by C.
Protein change: p.Thr25Pro; replaces threonine 25 with proline.
Molecular consequence: missense variant.
Genome position (GRCh38, 1-based): chr18:3,215,151, T>G on the plus strand (A>C on the coding strand, the complement: MYOM1 is on the minus strand). VCF-style: chr18-3215151-T-G. GRCh37 (hg19) VCF-style: chr18-3215149-T-G.
Other names: c.73A>C, p.Thr25Pro (NM_019856.2); short protein forms T25P.
Identifiers: ClinVar variation 3298017 (VCV003298017.1).

ClinVar aggregate classification (germline): Uncertain significance (1 of 4 stars; one submission).

Submission:

Ambry Genetics
Classification: Uncertain significance. Last evaluated: 2024-03-16. Review status: criteria provided, single submitter. Criteria: Ambry Variant Classification Scheme 2023. Collection method: clinical testing. Allele origin: germline.
Comment: The p.T25P variant (also known as c.73A>C), located in coding exon 1 of the MYOM1 gene, results from an A to C substitution at nucleotide position 73. The threonine at codon 25 is replaced by proline, an amino acid with highly similar properties. This amino acid position is conserved. In addition, the in silico prediction for this alteration is inconclusive. Based on the available evidence, the clinical significance of this alteration remains unclear.